The following is an entry in ClinVar:

ClinVar aggregate classification (germline): Uncertain significance (1 of 4 stars; one submission).

Conditions:
Intellectual disability-hypotonic facies syndrome, X-linked, 1 (MRXHF1). Also called: CHUDLEY-LOWRY SYNDROME; Chudley syndrome 1; Chudley-Lowry-Hoar syndrome; Carpenter-Waziri syndrome; HOLMES-GANG SYNDROME; X-linked intellectual disability-hypotonic face syndrome. Identifiers: Orphanet 73220, Orphanet 93970, Orphanet 93971, Orphanet 93972, Orphanet 93973, Orphanet 93974, Orphanet 93975, MedGen C4759781, MONDO:0010663, OMIM 309580.

Submission:

3billion
Classification: Uncertain significance for Intellectual disability-hypotonic facies syndrome, X-linked, 1. Last evaluated: 2024-07-05. Review status: criteria provided, single submitter. Criteria: ACMG Guidelines, 2015. Collection method: clinical testing. Allele origin: germline. Affected: yes.
Comment: The variant is not observed in the gnomAD v4.0.0 dataset. Predicted Consequence/Location: Missense variant In silico tool predictions suggest damaging effect of the variant on gene or gene product [REVEL: 0.92 (>=0.6, sensitivity 0.68 and specificity 0.92); 3Cnet: 0.91 (>=0.6, sensitivity 0.72 and precision 0.9)]. The same nucleotide change resulting in the same amino acid change has been previously reported to be associated with ATRX related disorder (PMID: 16813605). However, the evidence of pathogenicity is insufficient at this time. Therefore, this variant is classified as VUS according to the recommendation of ACMG/AMP guideline.

Literature cited by the submitters: PubMed 16813605.

NM_000489.6(ATRX):c.754G>A (p.Glu252Lys)

Gene: ATRX (ATRX chromatin remodeler; minus strand). Cytogenetic location: Xq21.1.
Variant type: single nucleotide variant.
Coding change: c.754G>A on transcript NM_000489.6 (MANE Select); coding-DNA position 754, G replaced by A.
Protein change: p.Glu252Lys; replaces glutamic acid 252 with lysine.
Molecular consequence: missense variant.
Genome position (GRCh38, 1-based): chrX:77,684,502, C>T on the plus strand (G>A on the coding strand, the complement: ATRX is on the minus strand). VCF-style: chrX-77684502-C-T. GRCh37 (hg19) VCF-style: chrX-76939994-C-T.
Other names: c.640G>A, p.Glu214Lys (NM_138270.5); short protein forms E214K, E252K.
Identifiers: ClinVar variation 4292637 (VCV004292637.1).